The following is an entry in ClinVar:

NM_004481.5(GALNT2):c.491C>G (p.Pro164Arg)

Gene: GALNT2 (polypeptide N-acetylgalactosaminyltransferase 2; plus strand). Cytogenetic location: 1q42.13.
Variant type: single nucleotide variant.
Coding change: c.491C>G on transcript NM_004481.5 (MANE Select); coding-DNA position 491, C replaced by G.
Protein change: p.Pro164Arg; replaces proline 164 with arginine.
Molecular consequence: missense variant.
Genome position (GRCh38, 1-based): chr1:230,236,370, C>G. VCF-style: chr1-230236370-C-G. GRCh37 (hg19) VCF-style: chr1-230372116-C-G.
Other names: c.377C>G, p.Pro126Arg (NM_001291866.2); c.491C>G (NM_004481.3); short protein forms P164R, P126R.
Identifiers: ClinVar variation 1508736 (VCV001508736.6), dbSNP rs141843529, ClinGen allele CA1446169.

ClinVar aggregate classification (germline): Uncertain significance. Review status: criteria provided, multiple submitters, no conflicts (2 of 4 stars). 2 submissions from 2 submitters: Uncertain significance (2). Last evaluated 2023-12-26.

Conditions:
Inborn genetic diseases. Identifiers: MedGen C0950123, MeSH D030342.

Allele frequency attached by ClinVar (database versions not stated): 1000 Genomes Project 30x 0.00031; TOPMed 0.00035; ESP Exome Variant Server 0.00038.
gnomAD v4.1: 93 of 1,613,980 alleles (0.0058%); highest among the groups gnomAD compares: African/African-American, 0.12%; no homozygotes.

Submissions (2):

Ambry Genetics
Classification: Uncertain significance for Inborn genetic diseases. Last evaluated: 2023-12-26. Review status: criteria provided, single submitter. Criteria: Ambry Variant Classification Scheme 2023. Collection method: clinical testing. Allele origin: germline.

Labcorp Genetics (formerly Invitae), Labcorp
Classification: Uncertain significance. Last evaluated: 2021-11-08. Review status: criteria provided, single submitter. Criteria: Invitae Variant Classification Sherloc (09022015). Collection method: clinical testing. Allele origin: germline.
Comment: In summary, the available evidence is currently insufficient to determine the role of this variant in disease. Therefore, it has been classified as a Variant of Uncertain Significance. Algorithms developed to predict the effect of missense changes on protein structure and function are either unavailable or do not agree on the potential impact of this missense change (SIFT: "Deleterious"; PolyPhen-2: "Probably Damaging"; Align-GVGD: "Class C0"). This sequence change replaces proline, which is neutral and non-polar, with arginine, which is basic and polar, at codon 164 of the GALNT2 protein (p.Pro164Arg). This variant is present in population databases (rs141843529, gnomAD 0.1%). This variant has not been reported in the literature in individuals affected with GALNT2-related conditions.